The following is an entry in ClinVar:

ClinVar aggregate classification (germline): Uncertain significance (1 of 4 stars; one submission).

Submission:

Labcorp Genetics (formerly Invitae), Labcorp
Classification: Uncertain significance. Last evaluated: 2021-07-12. Review status: criteria provided, single submitter. Criteria: Invitae Variant Classification Sherloc (09022015). Collection method: clinical testing. Allele origin: germline.
Comment: This sequence change replaces cysteine with glycine at codon 788 of the EIF2AK3 protein (p.Cys788Gly). The cysteine residue is moderately conserved and there is a large physicochemical difference between cysteine and glycine. This variant is not present in population databases (ExAC no frequency). This variant has not been reported in the literature in individuals affected with EIF2AK3-related conditions. Algorithms developed to predict the effect of missense changes on protein structure and function (SIFT, PolyPhen-2, Align-GVGD) all suggest that this variant is likely to be tolerated. In summary, the available evidence is currently insufficient to determine the role of this variant in disease. Therefore, it has been classified as a Variant of Uncertain Significance.

NM_004836.7(EIF2AK3):c.2362T>G (p.Cys788Gly)

Genes: EIF2AK3-AS1 (EIF2AK3 antisense RNA 1; plus strand), EIF2AK3 (eukaryotic translation initiation factor 2 alpha kinase 3; minus strand). Cytogenetic location: 2p11.2.
Variant type: single nucleotide variant.
Coding change: c.2362T>G on transcript NM_004836.7 (MANE Select); coding-DNA position 2362, T replaced by G.
Protein change: p.Cys788Gly; replaces cysteine 788 with glycine.
Molecular consequence: missense variant. On other transcripts: non-coding transcript variant (1).
Genome position (GRCh38, 1-based): chr2:88,575,121, A>C on the plus strand (T>G on the coding strand, the complement: EIF2AK3 is on the minus strand). VCF-style: chr2-88575121-A-C. GRCh37 (hg19) VCF-style: chr2-88874639-A-C.
Other names: c.1909T>G, p.Cys637Gly (NM_001313915.2); short protein forms C637G, C788G.
Identifiers: ClinVar variation 1504640 (VCV001504640.8), dbSNP rs1197779008, ClinGen allele CA347591733.